The following is an entry in ClinVar:

ClinVar aggregate classification (germline): Pathogenic (1 of 4 stars; one submission).

Conditions:
Methylcobalamin deficiency type cblG (HMAG). Also called: Functional methionine synthase deficiency type cblG; HOMOCYSTINURIA-MEGALOBLASTIC ANEMIA, cblG TYPE; HOMOCYSTINURIA-MEGALOBLASTIC ANEMIA DUE TO DEFECT IN COBALAMIN METABOLISM, cblG COMPLEMENTATION TYPE; HOMOCYSTINURIA-MEGALOBLASTIC ANEMIA, cblG COMPLEMENTATION TYPE. Identifiers: Orphanet 2170, Orphanet 622, MedGen C1855128, MONDO:0009609, OMIM 250940.

Submission:

Labcorp Genetics (formerly Invitae), Labcorp
Classification: Pathogenic for Methylcobalamin deficiency type cblG. Last evaluated: 2023-11-15. Review status: criteria provided, single submitter. Criteria: Invitae Variant Classification Sherloc (09022015). Collection method: clinical testing. Allele origin: germline.
Comment: This sequence change creates a premature translational stop signal (p.Met713Ilefs*4) in the MTR gene. It is expected to result in an absent or disrupted protein product. Loss-of-function variants in MTR are known to be pathogenic (PMID: 9683607, 12068375). This variant is not present in population databases (gnomAD no frequency). This variant has not been reported in the literature in individuals affected with MTR-related conditions. For these reasons, this variant has been classified as Pathogenic.

Literature cited by the submitters: PubMed 9683607; PubMed 12068375.

NM_000254.3(MTR):c.2139del (p.Met713fs)

Gene: MTR (5-methyltetrahydrofolate-homocysteine methyltransferase; plus strand). Cytogenetic location: 1q43.
Variant type: Deletion.
Coding change: c.2139del on transcript NM_000254.3 (MANE Select); coding-DNA position 2139, one base deleted (G; older notation c.2139delG).
Protein change: p.Met713fs; shifts the reading frame from methionine 713.
Molecular consequence: frameshift variant. On other transcripts: intron variant (1).
Genome position (GRCh38, 1-based): chr1:236,861,220, G deleted. VCF-style (leftmost placement, unchanged base first): chr1-236861219-TG-T. GRCh37 (hg19) VCF-style: chr1-237024519-TG-T.
Other names: c.918del, p.Met306fs (NM_001291940.2); c.2139del, p.Met713fs (NM_001410942.1); c.2044-1016del (NM_001291939.1); short protein forms M713fs, M306fs.
Identifiers: ClinVar variation 3002217 (VCV003002217.3), dbSNP rs2528241635, ClinGen allele CA2740092645.